The following is an entry in ClinVar:

NM_001845.6(COL4A1):c.3376G>T (p.Asp1126Tyr)

Gene: COL4A1 (collagen type IV alpha 1 chain; minus strand). Cytogenetic location: 13q34.
Variant type: single nucleotide variant.
Coding change: c.3376G>T on transcript NM_001845.6 (MANE Select); coding-DNA position 3376, G replaced by T.
Protein change: p.Asp1126Tyr; replaces aspartic acid 1126 with tyrosine.
Molecular consequence: missense variant.
Genome position (GRCh38, 1-based): chr13:110,174,476, C>A on the plus strand (G>T on the coding strand, the complement: COL4A1 is on the minus strand). VCF-style: chr13-110174476-C-A. GRCh37 (hg19) VCF-style: chr13-110826823-C-A.
Other names: short protein forms D1126Y.
Identifiers: ClinVar variation 2628754 (VCV002628754.1), dbSNP rs1344641964, ClinGen allele CA388664378.

ClinVar aggregate classification (germline): Uncertain significance (1 of 4 stars; one submission).

Conditions:
COL4A1-related disorder. Also called: COL4A1-related disorders; COL4A1-related condition. Identifiers: MedGen CN376119, MONDO:0800461.

Allele frequency attached by ClinVar (database versions not stated): TOPMed below 0.00001.

Submission:

PreventionGenetics, part of Exact Sciences
Classification: Uncertain significance for COL4A1-related condition. Last evaluated: 2023-03-14. Review status: criteria provided, single submitter. Criteria: ACMG Guidelines, 2015. Collection method: clinical testing. Allele origin: germline.
Comment: The COL4A1 c.3376G>T variant is predicted to result in the amino acid substitution p.Asp1126Tyr. To our knowledge, this variant has not been reported in the literature or in a large population database, indicating this variant is rare. At this time, the clinical significance of this variant is uncertain due to the absence of conclusive functional and genetic evidence.